The following is an entry in ClinVar:

ClinVar aggregate classification (germline): Uncertain significance. Review status: criteria provided, multiple submitters, no conflicts (2 of 4 stars). 2 submissions from 2 submitters: Uncertain significance (2). Last evaluated 2026-01-14.

Conditions:
RASopathy. Also called: Noonan spectrum disorder; rasopathies. Identifiers: Orphanet 536391, MedGen C5555857, MONDO:0021060.
Cardiovascular phenotype. Identifiers: MedGen CN230736.

Allele frequency attached by ClinVar (database versions not stated): gnomAD 0.00001; gnomAD exomes 0.00001; TOPMed 0.00001.
gnomAD v4.1: 16 of 1,551,220 alleles (0.001%); highest among the groups gnomAD compares: Non-Finnish European, 0.0011%; no homozygotes.

Submissions (2):

Labcorp Genetics (formerly Invitae), Labcorp
Classification: Uncertain significance for RASopathy. Last evaluated: 2026-01-14. Review status: criteria provided, single submitter. Criteria: Invitae Variant Classification Sherloc (09022015). Collection method: clinical testing. Allele origin: germline.
Comment: This sequence change replaces valine, which is neutral and non-polar, with glycine, which is neutral and non-polar, at codon 337 of the MAP2K2 protein (p.Val337Gly). This variant is present in population databases (no rsID available, gnomAD 0.003%). This variant has not been reported in the literature in individuals affected with MAP2K2-related conditions. ClinVar contains an entry for this variant (Variation ID: 1518801). Invitae Evidence Modeling incorporating data from in vitro experimental studies (internal data) indicates that this missense variant is not expected to disrupt MAP2K2 function with a negative predictive value of 95%. In summary, the available evidence is currently insufficient to determine the role of this variant in disease. Therefore, it has been classified as a Variant of Uncertain Significance.

Ambry Genetics
Classification: Uncertain significance for Cardiovascular phenotype. Last evaluated: 2024-04-28. Review status: criteria provided, single submitter. Criteria: Ambry Variant Classification Scheme 2023. Collection method: clinical testing. Allele origin: germline.
Comment: The p.V337G variant (also known as c.1010T>G), located in coding exon 9 of the MAP2K2 gene, results from a T to G substitution at nucleotide position 1010. The valine at codon 337 is replaced by glycine, an amino acid with dissimilar properties. This amino acid position is conserved. In addition, the in silico prediction for this alteration is inconclusive. Based on the available evidence, the clinical significance of this variant remains unclear.

NM_030662.4(MAP2K2):c.1010T>G (p.Val337Gly)

Gene: MAP2K2 (mitogen-activated protein kinase kinase 2; minus strand). Cytogenetic location: 19p13.3.
Variant type: single nucleotide variant.
Coding change: c.1010T>G on transcript NM_030662.4 (MANE Select); coding-DNA position 1010, T replaced by G.
Protein change: p.Val337Gly; replaces valine 337 with glycine.
Molecular consequence: missense variant.
Genome position (GRCh38, 1-based): chr19:4,095,424, A>C on the plus strand (T>G on the coding strand, the complement: MAP2K2 is on the minus strand). VCF-style: chr19-4095424-A-C. GRCh37 (hg19) VCF-style: chr19-4095422-A-C.
Other names: c.1010T>G (NM_030662.3); short protein forms V337G.
Identifiers: ClinVar variation 1518801 (VCV001518801.7), dbSNP rs1232245814, ClinGen allele CA403383370.